The following is an entry in ClinVar:

NM_004006.3(DMD):c.6017A>G (p.His2006Arg)

Gene: DMD (dystrophin; minus strand). Cytogenetic location: Xp21.1.
Variant type: single nucleotide variant.
Coding change: c.6017A>G on transcript NM_004006.3 (MANE Select); coding-DNA position 6017, A replaced by G.
Protein change: p.His2006Arg; replaces histidine 2006 with arginine.
Molecular consequence: missense variant.
Genome position (GRCh38, 1-based): chrX:32,310,182, T>C on the plus strand (A>G on the coding strand, the complement: DMD is on the minus strand). VCF-style: chrX-32310182-T-C. GRCh37 (hg19) VCF-style: chrX-32328299-T-C.
Other names: c.5993A>G, p.His1998Arg (NM_000109.4); c.6005A>G, p.His2002Arg (NM_004009.3); c.5648A>G, p.His1883Arg (NM_004010.3); c.1994A>G, p.His665Arg (NM_004011.4); c.1985A>G, p.His662Arg (NM_004012.4); short protein forms H1883R, H1998R, H2002R, H2006R, H662R, H665R.
Identifiers: ClinVar variation 2440816 (VCV002440816.6), dbSNP rs2148595619, ClinGen allele CA412669821.

ClinVar aggregate classification (germline): Uncertain significance. Review status: criteria provided, multiple submitters, no conflicts (2 of 4 stars). 2 submissions from 2 submitters: Uncertain significance (2). Last evaluated 2023-10-09.

Conditions:
Duchenne muscular dystrophy (DMD). Also called: Duchenne Muscular Dystrophy (DMD); MUSCULAR DYSTROPHY, PSEUDOHYPERTROPHIC PROGRESSIVE, DUCHENNE TYPE. Identifiers: Orphanet 98896, MedGen C0013264, MONDO:0010679, OMIM 310200.

Submissions (2):

Labcorp Genetics (formerly Invitae), Labcorp
Classification: Uncertain significance for Duchenne muscular dystrophy. Last evaluated: 2023-10-09. Review status: criteria provided, single submitter. Criteria: Invitae Variant Classification Sherloc (09022015). Collection method: clinical testing. Allele origin: germline.
Comment: This sequence change replaces histidine, which is basic and polar, with arginine, which is basic and polar, at codon 2006 of the DMD protein (p.His2006Arg). This variant is not present in population databases (gnomAD no frequency). This variant has not been reported in the literature in individuals affected with DMD-related conditions. ClinVar contains an entry for this variant (Variation ID: 2440816). Advanced modeling of protein sequence and biophysical properties (such as structural, functional, and spatial information, amino acid conservation, physicochemical variation, residue mobility, and thermodynamic stability) performed at Invitae indicates that this missense variant is not expected to disrupt DMD protein function. In summary, the available evidence is currently insufficient to determine the role of this variant in disease. Therefore, it has been classified as a Variant of Uncertain Significance.

Revvity Omics, Revvity
Classification: Uncertain significance. Last evaluated: 2021-04-06. Review status: criteria provided, single submitter. Criteria: ACMG Guidelines, 2015. Collection method: clinical testing. Allele origin: germline.